The following is an entry in ClinVar:

NM_000038.6(APC):c.6317A>G (p.Glu2106Gly)

Gene: APC (APC regulator of Wnt signaling pathway; plus strand). Cytogenetic location: 5q22.2.
Variant type: single nucleotide variant.
Coding change: c.6317A>G on transcript NM_000038.6 (MANE Select); coding-DNA position 6317, A replaced by G.
Protein change: p.Glu2106Gly; replaces glutamic acid 2106 with glycine.
Molecular consequence: missense variant.
Genome position (GRCh38, 1-based): chr5:112,841,911, A>G. VCF-style: chr5-112841911-A-G. GRCh37 (hg19) VCF-style: chr5-112177608-A-G.
Other names: c.6317A>G, p.Glu2106Gly (NM_001127510.3, NM_001354895.2, NM_001407450.1); c.6263A>G, p.Glu2088Gly (NM_001127511.3); c.6371A>G, p.Glu2124Gly (NM_001354896.2, NM_001407447.1, NM_001407448.1 and 1 more transcripts); c.6347A>G, p.Glu2116Gly (NM_001354897.2); c.6242A>G, p.Glu2081Gly (NM_001354898.2); c.6233A>G, p.Glu2078Gly (NM_001354899.2); c.6194A>G, p.Glu2065Gly (NM_001354900.2); c.6140A>G, p.Glu2047Gly (NM_001354901.2, NM_001407453.1); and 11 more; short protein forms E1977G, E2015G, E2047G, E2065G, E2081G, E2088G, E2116G, E2124G.
Identifiers: ClinVar variation 1752816 (VCV001752816.2), dbSNP rs2149962250, ClinGen allele CA16035168.
Genomic context (GRCh38, chr5:112,841,911, plus strand): 5'-CAGATTCAGAACATGGTCTATCCCCTGATTCAGAAAATTTTGATTGGAAAGCTATTCAGG[A>G]AGGTGCAAATTCCATAGTAAGTAGTTTACATCAAGCTGCTGCTGCTGCATGTTTATCTAG-3'
Protein context (NP_000029.2, residues 2096-2116): SENFDWKAIQ[Glu2106Gly]GANSIVSSLH

ClinVar aggregate classification (germline): Uncertain significance (1 of 4 stars; one submission).

Conditions:
Hereditary cancer-predisposing syndrome. Also called: Neoplastic Syndromes, Hereditary; Tumor predisposition; Hereditary Cancer Syndrome; Hereditary neoplastic syndrome. Identifiers: Orphanet 140162, MedGen C0027672, MeSH D009386, MONDO:0015356.

Submission:

Ambry Genetics
Classification: Uncertain significance for Hereditary cancer-predisposing syndrome. Last evaluated: 2020-10-01. Review status: criteria provided, single submitter. Criteria: Ambry Variant Classification Scheme 2023. Collection method: clinical testing. Allele origin: germline.
Comment: The p.E2106G variant (also known as c.6317A>G), located in coding exon 15 of the APC gene, results from an A to G substitution at nucleotide position 6317. The glutamic acid at codon 2106 is replaced by glycine, an amino acid with similar properties. This amino acid position is highly conserved in available vertebrate species. In addition, in silico predictors for this gene do not accurately predict pathogenicity. Since supporting evidence is limited at this time, the clinical significance of this alteration remains unclear.